The following is an entry in ClinVar:

ClinVar aggregate classification (germline): Uncertain significance. Review status: criteria provided, multiple submitters, no conflicts (2 of 4 stars). 5 submissions from 5 submitters: Uncertain significance (5). Last evaluated 2026-06-09.

Conditions:
Cardiovascular phenotype. Identifiers: MedGen CN230736.
TTN-related disorder. Also called: TTN-related condition; TTN-related disease; TTN-related disorders.
Autosomal recessive limb-girdle muscular dystrophy type 2J (LGMDR10). Also called: MUSCULAR DYSTROPHY, LIMB-GIRDLE, AUTOSOMAL RECESSIVE 10; Limb-girdle muscular dystrophy, type 2J. Identifiers: Orphanet 140922, MedGen C1837342, MONDO:0012127, OMIM 608807.
Hypertrophic cardiomyopathy 9. Also called: Familial hypertrophic cardiomyopathy 9. Identifiers: MedGen C1861065, MONDO:0013412, OMIM 613765.
Early-onset myopathy with fatal cardiomyopathy (CMYO5). Also called: CONGENITAL MYOPATHY 5 WITH CARDIOMYOPATHY; Salih Myopathy. Identifiers: Orphanet 289377, MedGen C2673677, MONDO:0012714, OMIM 611705. Disease mechanism: loss of function.
Dilated cardiomyopathy 1G (CMD1G). Identifiers: Orphanet 154, MedGen C1858763, MONDO:0011400, OMIM 604145.
Myopathy, myofibrillar, 9, with early respiratory failure (MFM9). Also called: Myopathy, distal, with early respiratory failure, autosomal dominant; EDSTROM MYOPATHY; MYOPATHY, PROXIMAL, WITH EARLY RESPIRATORY MUSCLE INVOLVEMENT; Hereditary myopathy with early respiratory failure. Identifiers: Orphanet 178464, Orphanet 34521, MedGen C1863599, MONDO:0011362, OMIM 603689.
Tibial muscular dystrophy (TMD). Also called: Tibial muscular dystrophy, tardive; UDD MYOPATHY; Udd Distal Myopathy – Tibial Muscular Dystrophy. Identifiers: Orphanet 609, MedGen C1838244, MONDO:0010870, OMIM 600334.

Allele frequency attached by ClinVar (database versions not stated): gnomAD exomes below 0.00001 and 0.00001; gnomAD 0.00009 and 0.00010; TOPMed 0.00019.
gnomAD v4.1: 18 of 1,573,632 alleles (0.0011%); highest among the groups gnomAD compares: Admixed American, 0.024%; no homozygotes.

Submissions (5):

PreventionGenetics, part of Exact Sciences
Classification: Uncertain significance for TTN-related condition. Last evaluated: 2026-06-09. Review status: criteria provided, single submitter. Criteria: ACMG Guidelines, 2015. Collection method: clinical testing. Allele origin: germline.
Comment: The TTN c.63116A>C variant is predicted to result in the amino acid substitution p.Lys21039Thr. To our knowledge, this variant has not been reported in the literature. This variant is reported in 0.0042% of alleles in individuals of African descent in gnomAD. At this time, the clinical significance of this variant is uncertain due to the absence of conclusive functional and genetic evidence.

Fulgent Genetics
Classification: Uncertain significance for Tibial muscular dystrophy; Myopathy, myofibrillar, 9, with early respiratory failure; Dilated cardiomyopathy 1G; Autosomal recessive limb-girdle muscular dystrophy type 2J; Early-onset myopathy with fatal cardiomyopathy; Hypertrophic cardiomyopathy 9. Last evaluated: 2021-10-18. Review status: criteria provided, single submitter. Criteria: ACMG Guidelines, 2015. Collection method: clinical testing. Allele origin: unknown.

Revvity Omics, Revvity
Classification: Uncertain significance. Last evaluated: 2019-03-06. Review status: criteria provided, single submitter. Criteria: ACMG Guidelines, 2015. Collection method: clinical testing. Allele origin: germline.

Eurofins Ntd Llc (ga)
Classification: Uncertain significance. Last evaluated: 2017-09-14. Review status: criteria provided, single submitter. Criteria: EGL Classification Definitions 2015. Collection method: clinical testing. Allele origin: germline. Observed: 1 variant allele, 1 heterozygote.

Ambry Genetics
Classification: Uncertain significance for Cardiovascular phenotype. Last evaluated: 2013-07-12. Review status: criteria provided, single submitter. Criteria: Ambry Autosomal Dominant and X-Linked criteria (10/2015). Collection method: clinical testing. Allele origin: germline. Observed: 1 variant allele.
Comment: There is insufficient or conflicting evidence for classification of this alteration.

NM_001267550.2(TTN):c.63116A>C (p.Lys21039Thr)

Genes: TTN-AS1 (TTN antisense RNA 1; plus strand), TTN (titin; minus strand). Cytogenetic location: 2q31.2.
Variant type: single nucleotide variant.
Coding change: c.63116A>C on transcript NM_001267550.2 (MANE Select); coding-DNA position 63116, A replaced by C.
Protein change: p.Lys21039Thr; replaces lysine 21039 with threonine.
Molecular consequence: missense variant.
Genome position (GRCh38, 1-based): chr2:178,588,609, T>G on the plus strand (A>C on the coding strand, the complement: TTN is on the minus strand). VCF-style: chr2-178588609-T-G. GRCh37 (hg19) VCF-style: chr2-179453336-T-G.
Other names: c.58193A>C, p.Lys19398Thr (NM_001256850.1); c.35921A>C, p.Lys11974Thr (NM_003319.4); c.55412A>C, p.Lys18471Thr (NM_133378.4); c.36296A>C, p.Lys12099Thr (NM_133432.3); c.36497A>C, p.Lys12166Thr (NM_133437.4); short protein forms K18471T, K21039T, K12099T, K12166T, K19398T, K11974T.
Identifiers: ClinVar variation 263662 (VCV000263662.12), dbSNP rs886038878, ClinGen allele CA10587487.